The following is an entry in ClinVar:

ClinVar aggregate classification (germline): Conflicting classifications of pathogenicity. Review status: criteria provided, conflicting classifications (1 of 4 stars). 2 submissions from 2 submitters: Pathogenic (1); Uncertain significance (1). Last evaluated 2024-07-10.

Conditions:
Syndromic X-linked intellectual disability Najm type (MICPCH). Also called: Intellectual Disability and Microcephaly with Pontine and Cerebellar Hypoplasia; MICPCH SYNDROME; Intellectual developmental disorder and microcephaly with pontine and cerebellar hypoplasia; Mental retardation and microcephaly with pontine and cerebellar hypoplasia; MENTAL RETARDATION, X-LINKED, SYNDROMIC, NAJM TYPE; Intellectual Disability and Microcephaly with Pontine and Cerebellar Hypoplasia (MICPCH). Identifiers: Orphanet 163937, MedGen C2677903, MONDO:0010417, OMIM 300749.

Submissions (2):

GeneDx
Classification: Pathogenic. Last evaluated: 2024-07-10. Review status: criteria provided, single submitter. Criteria: GeneDx Variant Classification Process June 2021. Collection method: clinical testing. Allele origin: germline. Affected: yes.
Comment: Not observed at significant frequency in large population cohorts (gnomAD); In silico analysis supports that this missense variant has a deleterious effect on protein structure/function; This variant is associated with the following publications: (PMID: 35670295)

Genetic Services Laboratory, University of Chicago
Classification: Uncertain significance for Mental retardation and microcephaly with pontine and cerebellar hypoplasia. Last evaluated: 2013-02-08. Review status: criteria provided, single submitter. Criteria: ACMG Guidelines, 2007. Collection method: clinical testing. Allele origin: germline. Inheritance: X-linked inheritance.

NM_001367721.1(CASK):c.2039G>C (p.Trp680Ser)

Gene: CASK (calcium/calmodulin dependent serine protein kinase; minus strand). Cytogenetic location: Xp11.4.
Variant type: single nucleotide variant.
Coding change: c.2039G>C on transcript NM_001367721.1 (MANE Select); coding-DNA position 2039, G replaced by C.
Protein change: p.Trp680Ser; replaces tryptophan 680 with serine.
Molecular consequence: missense variant.
Genome position (GRCh38, 1-based): chrX:41,553,719, C>G on the plus strand (G>C on the coding strand, the complement: CASK is on the minus strand). VCF-style: chrX-41553719-C-G. GRCh37 (hg19) VCF-style: chrX-41412972-C-G.
Other names: c.1970G>C, p.Trp657Ser (NM_001126054.3); c.1952G>C, p.Trp651Ser (NM_001126055.3); c.2021G>C, p.Trp674Ser (NM_001410745.1); c.2039G>C, p.Trp680Ser (NM_003688.4); short protein forms W680S, W657S, W651S, W674S.
Identifiers: ClinVar variation 158067 (VCV000158067.7), dbSNP rs587783358, ClinGen allele CA251010.